The following is an entry in ClinVar:

NM_024989.4(PGAP1):c.2387A>G (p.Asp796Gly)

Gene: PGAP1 (post-GPI attachment to proteins inositol deacylase 1; minus strand). Cytogenetic location: 2q33.1.
Variant type: single nucleotide variant.
Coding change: c.2387A>G on transcript NM_024989.4 (MANE Select); coding-DNA position 2387, A replaced by G.
Protein change: p.Asp796Gly; replaces aspartic acid 796 with glycine.
Molecular consequence: missense variant.
Genome position (GRCh38, 1-based): chr2:196,844,026, T>C on the plus strand (A>G on the coding strand, the complement: PGAP1 is on the minus strand). VCF-style: chr2-196844026-T-C. GRCh37 (hg19) VCF-style: chr2-197708750-T-C.
Other names: c.1865A>G, p.Asp622Gly (NM_001321099.2); c.1220A>G, p.Asp407Gly (NM_001321100.2); short protein forms D796G, D622G, D407G.
Identifiers: ClinVar variation 3703239 (VCV003703239.2).

ClinVar aggregate classification (germline): Uncertain significance (1 of 4 stars; one submission).

Conditions:
Intellectual disability, autosomal recessive 42 (NEDDSBA). Also called: GLYCOSYLPHOSPHATIDYLINOSITOL BIOSYNTHESIS DEFECT 9; Neurodevelopmental disorder with dysmorphic features, spasticity, and brain abnormalities. Identifiers: Orphanet 88616, MedGen C4014343, MONDO:0014348, OMIM 615802.

gnomAD v4.1: 2 of 1,599,342 alleles (0.00013%); highest among the groups gnomAD compares: South Asian, 0.0011%; no homozygotes.

Submission:

Labcorp Genetics (formerly Invitae), Labcorp
Classification: Uncertain significance for Intellectual disability, autosomal recessive 42. Last evaluated: 2024-08-06. Review status: criteria provided, single submitter. Criteria: Invitae Variant Classification Sherloc (09022015). Collection method: clinical testing. Allele origin: germline.
Comment: This sequence change replaces aspartic acid, which is acidic and polar, with glycine, which is neutral and non-polar, at codon 796 of the PGAP1 protein (p.Asp796Gly). This variant is not present in population databases (gnomAD no frequency). This variant has not been reported in the literature in individuals affected with PGAP1-related conditions. An algorithm developed to predict the effect of missense changes on protein structure and function (PolyPhen-2) suggests that this variant is likely to be tolerated. In summary, the available evidence is currently insufficient to determine the role of this variant in disease. Therefore, it has been classified as a Variant of Uncertain Significance.